The following is an entry in ClinVar:

ClinVar aggregate classification (germline): Uncertain significance. Review status: criteria provided, multiple submitters, no conflicts (2 of 4 stars). 4 submissions from 4 submitters: Uncertain significance (4). Last evaluated 2026-01-14.

Conditions:
Neuroblastoma, susceptibility to, 3. Also called: ALK-Related Neuroblastic Tumor Susceptibility. Identifiers: Orphanet 635, MedGen C2751681, MONDO:0013083, OMIM 613014.
Hereditary cancer-predisposing syndrome. Also called: Tumor predisposition; Hereditary neoplastic syndrome; Hereditary Cancer Syndrome; Neoplastic Syndromes, Hereditary. Identifiers: Orphanet 140162, MedGen C0027672, MeSH D009386, MONDO:0015356.

Allele frequency attached by ClinVar (database versions not stated): gnomAD 0.00001; ExAC 0.00002; gnomAD exomes 0.00003.
gnomAD v4.1: 23 of 1,613,906 alleles (0.0014%); highest among the groups gnomAD compares: Non-Finnish European, 0.0019%; no homozygotes.

Submissions (4):

Labcorp Genetics (formerly Invitae), Labcorp
Classification: Uncertain significance for Neuroblastoma, susceptibility to, 3. Last evaluated: 2026-01-14. Review status: criteria provided, single submitter. Criteria: Invitae Variant Classification Sherloc (09022015). Collection method: clinical testing. Allele origin: germline.
Comment: This sequence change replaces tryptophan, which is neutral and slightly polar, with arginine, which is basic and polar, at codon 1320 of the ALK protein (p.Trp1320Arg). This variant is present in population databases (rs779796155, gnomAD 0.009%). This variant has not been reported in the literature in individuals affected with ALK-related conditions. ClinVar contains an entry for this variant (Variation ID: 470858). An algorithm developed to predict the effect of missense changes on protein structure and function (PolyPhen-2) suggests that this variant is likely to be disruptive. In summary, the available evidence is currently insufficient to determine the role of this variant in disease. Therefore, it has been classified as a Variant of Uncertain Significance.

Ambry Genetics
Classification: Uncertain significance for Hereditary cancer-predisposing syndrome. Last evaluated: 2025-08-20. Review status: criteria provided, single submitter. Criteria: Ambry Variant Classification Scheme 2023. Collection method: clinical testing. Allele origin: germline.
Comment: The p.W1320R variant (also known as c.3958T>C), located in coding exon 27 of the ALK gene, results from a T to C substitution at nucleotide position 3958. The tryptophan at codon 1320 is replaced by arginine, an amino acid with dissimilar properties. This amino acid position is highly conserved in available vertebrate species. In addition, this alteration is predicted to be deleterious by in silico analysis. Since supporting evidence is limited at this time, the clinical significance of this alteration remains unclear.

GeneDx
Classification: Uncertain significance. Last evaluated: 2023-11-09. Review status: criteria provided, single submitter. Criteria: GeneDx Variant Classification Process June 2021. Collection method: clinical testing. Allele origin: germline.
Comment: In silico analysis supports that this missense variant has a deleterious effect on protein structure/function; Has not been previously published as pathogenic or benign to our knowledge

Illumina Laboratory Services, Illumina
Classification: Uncertain significance for Neuroblastoma, susceptibility to, 3. Last evaluated: 2018-01-15. Review status: criteria provided, single submitter. Criteria: ICSL Variant Classification Criteria 13 December 2019. Collection method: clinical testing. Allele origin: germline.

NM_004304.5(ALK):c.3958T>C (p.Trp1320Arg)

Gene: ALK (ALK receptor tyrosine kinase; minus strand). Cytogenetic location: 2p23.2.
Variant type: single nucleotide variant.
Coding change: c.3958T>C on transcript NM_004304.5 (MANE Select); coding-DNA position 3958, T replaced by C.
Protein change: p.Trp1320Arg; replaces tryptophan 1320 with arginine.
Molecular consequence: missense variant.
Genome position (GRCh38, 1-based): chr2:29,197,657, A>G on the plus strand (T>C on the coding strand, the complement: ALK is on the minus strand). VCF-style: chr2-29197657-A-G. GRCh37 (hg19) VCF-style: chr2-29420523-A-G.
Other names: c.754T>C, p.Trp252Arg (NM_001353765.2); short protein forms W1320R, W252R.
Identifiers: ClinVar variation 470858 (VCV000470858.23), dbSNP rs779796155, ClinGen allele CA1593707.